The following is an entry in ClinVar:

ClinVar aggregate classification (germline): Uncertain significance (1 of 4 stars; one submission).

Conditions:
COL1A1-related disorder. Also called: COL1A1- related disease; COL1A1-related condition.

gnomAD v4.1: 1 of 1,614,170 alleles (0.000062%); highest among the groups gnomAD compares: Non-Finnish European, 0.000085%; no homozygotes.

Submission:

PreventionGenetics, part of Exact Sciences
Classification: Uncertain significance for COL1A1-related condition. Last evaluated: 2024-12-05. Review status: criteria provided, single submitter. Criteria: ACMG Guidelines, 2015. Collection method: clinical testing. Allele origin: germline.
Comment: The COL1A1 c.3923C>T variant is predicted to result in the amino acid substitution p.Ala1308Val. To our knowledge, this variant has not been reported in the literature. This variant is reported in 0.00088% of alleles in individuals of European (Non-Finnish) descent in gnomAD. At this time, the clinical significance of this variant is uncertain due to the absence of conclusive functional and genetic evidence.

NM_000088.4(COL1A1):c.3923C>T (p.Ala1308Val)

Gene: COL1A1 (collagen type I alpha 1 chain; minus strand). Cytogenetic location: 17q21.33.
Variant type: single nucleotide variant.
Coding change: c.3923C>T on transcript NM_000088.4 (MANE Select); coding-DNA position 3923, C replaced by T.
Protein change: p.Ala1308Val; replaces alanine 1308 with valine.
Molecular consequence: missense variant.
Genome position (GRCh38, 1-based): chr17:50,186,399, G>A on the plus strand (C>T on the coding strand, the complement: COL1A1 is on the minus strand). VCF-style: chr17-50186399-G-A. GRCh37 (hg19) VCF-style: chr17-48263760-G-A.
Other names: short protein forms A1308V.
Identifiers: ClinVar variation 4980303 (VCV004980303.1).